The following is an entry in ClinVar:

NM_007194.4(CHEK2):c.338del (p.Tyr113fs)

Gene: CHEK2 (checkpoint kinase 2; minus strand). Cytogenetic location: 22q12.1.
Variant type: Deletion.
Coding change: c.338del on transcript NM_007194.4 (MANE Select); coding-DNA position 338, one base deleted (A; older notation c.338delA).
Protein change: p.Tyr113fs; shifts the reading frame from tyrosine 113.
Molecular consequence: frameshift variant.
Genome position (GRCh38, 1-based): chr22:28,725,349, T deleted on the plus strand (A on the coding strand, the reverse complement: CHEK2 is on the minus strand). VCF-style (leftmost placement, unchanged base first): chr22-28725348-GT-G. GRCh37 (hg19) VCF-style: chr22-29121336-GT-G.
Other names: c.467delA, p.Tyr156Serfs (NM_001005735.3); c.-440delA (NM_001257387.3); c.338delA, p.Tyr113Serfs (NM_001349956.3, NM_145862.3); short protein forms Y113fs, Y156fs.
Identifiers: ClinVar variation 3652751 (VCV003652751.2).

ClinVar aggregate classification (germline): Pathogenic (1 of 4 stars; one submission).

Conditions:
Familial cancer of breast. Also called: hereditary breast carcinoma; BREAST CANCER, FAMILIAL; Hereditary breast cancer. Identifiers: Orphanet 227535, MedGen C0346153, MONDO:0016419, OMIM 114480. Disease mechanism: loss of function.

Submission:

Labcorp Genetics (formerly Invitae), Labcorp
Classification: Pathogenic for Familial cancer of breast. Last evaluated: 2024-05-08. Review status: criteria provided, single submitter. Criteria: Invitae Variant Classification Sherloc (09022015). Collection method: clinical testing. Allele origin: germline.
Comment: This sequence change creates a premature translational stop signal (p.Tyr113Serfs*18) in the CHEK2 gene. It is expected to result in an absent or disrupted protein product. Loss-of-function variants in CHEK2 are known to be pathogenic (PMID: 21876083, 24713400). This variant is not present in population databases (gnomAD no frequency). This variant has not been reported in the literature in individuals affected with CHEK2-related conditions. For these reasons, this variant has been classified as Pathogenic.

Literature cited by the submitters: PubMed 21876083; PubMed 24713400.